The following is an entry in ClinVar:

NC_000023.10:g.(?_85119635)_(85128237_?)dup

Gene: CHM (CHM Rab escort protein; minus strand). Cytogenetic location: Xq21.2.
Variant type: Duplication.
Identifiers: ClinVar variation 2423007 (VCV002423007.2).

ClinVar aggregate classification (germline): Uncertain significance (1 of 4 stars; one submission).

Submission:

Labcorp Genetics (formerly Invitae), Labcorp
Classification: Uncertain significance. Last evaluated: 2022-02-24. Review status: criteria provided, single submitter. Criteria: Invitae Variant Classification Sherloc (09022015). Collection method: clinical testing. Allele origin: germline.
Comment: This variant results in a copy number gain of the genomic region encompassing exon(s) 14-15 of the CHM gene. This region includes the termination codon of the gene. This copy number gain extends beyond the assayed region for this gene and therefore may encompass additional genes. As the precise location of this event is unknown, it may be in tandem or it may be located elsewhere in the genome. This variant has not been reported in the literature in individuals affected with CHM-related conditions. In summary, the available evidence is currently insufficient to determine the role of this variant in disease. Therefore, it has been classified as a Variant of Uncertain Significance.